The following is an entry in ClinVar:

ClinVar aggregate classification (germline): Uncertain significance (1 of 4 stars; one submission).

Conditions:
Duchenne muscular dystrophy (DMD). Also called: MUSCULAR DYSTROPHY, PSEUDOHYPERTROPHIC PROGRESSIVE, DUCHENNE TYPE; Duchenne Muscular Dystrophy (DMD). Identifiers: Orphanet 98896, MedGen C0013264, MONDO:0010679, OMIM 310200.

Allele frequency attached by ClinVar (database versions not stated): gnomAD exomes below 0.00001.
gnomAD v4.1: 4 of 1,211,412 alleles (0.00033%); highest among the groups gnomAD compares: Non-Finnish European, 0.00045%; no homozygotes.

Submission:

Labcorp Genetics (formerly Invitae), Labcorp
Classification: Uncertain significance for Duchenne muscular dystrophy. Last evaluated: 2025-05-06. Review status: criteria provided, single submitter. Criteria: Invitae Variant Classification Sherloc (09022015). Collection method: clinical testing. Allele origin: germline.
Comment: This sequence change replaces threonine, which is neutral and polar, with alanine, which is neutral and non-polar, at codon 1001 of the DMD protein (p.Thr1001Ala). This variant is not present in population databases (gnomAD no frequency). This variant has not been reported in the literature in individuals affected with DMD-related conditions. ClinVar contains an entry for this variant (Variation ID: 1410864). Invitae Evidence Modeling of protein sequence and biophysical properties (such as structural, functional, and spatial information, amino acid conservation, physicochemical variation, residue mobility, and thermodynamic stability) indicates that this missense variant is not expected to disrupt DMD protein function with a negative predictive value of 95%. In summary, the available evidence is currently insufficient to determine the role of this variant in disease. Therefore, it has been classified as a Variant of Uncertain Significance.

NM_004006.3(DMD):c.3001A>G (p.Thr1001Ala)

Gene: DMD (dystrophin; minus strand). Cytogenetic location: Xp21.1.
Variant type: single nucleotide variant.
Coding change: c.3001A>G on transcript NM_004006.3 (MANE Select); coding-DNA position 3001, A replaced by G.
Protein change: p.Thr1001Ala; replaces threonine 1001 with alanine.
Molecular consequence: missense variant.
Genome position (GRCh38, 1-based): chrX:32,468,659, T>C on the plus strand (A>G on the coding strand, the complement: DMD is on the minus strand). VCF-style: chrX-32468659-T-C. GRCh37 (hg19) VCF-style: chrX-32486776-T-C.
Other names: c.2977A>G, p.Thr993Ala (NM_000109.4); c.2989A>G, p.Thr997Ala (NM_004009.3); c.2632A>G, p.Thr878Ala (NM_004010.3); short protein forms T1001A, T993A, T878A, T997A.
Identifiers: ClinVar variation 1410864 (VCV001410864.5), dbSNP rs2040303930, ClinGen allele CA412667083.